The following is an entry in ClinVar:

ClinVar aggregate classification (germline): Likely benign. Review status: criteria provided, multiple submitters, no conflicts (2 of 4 stars). 2 submissions from 2 submitters: Likely benign (2). Last evaluated 2025-09-22.

Conditions:
YY1AP1-related disorder. Also called: YY1AP1-related condition.

Allele frequency attached by ClinVar (database versions not stated): gnomAD exomes 0.00002 and 0.00003; ExAC 0.00012; TOPMed 0.00020; gnomAD 0.00024 and 0.00026; 1000 Genomes Project 0.00100.
gnomAD v4.1: 94 of 1,549,060 alleles (0.0061%); highest among the groups gnomAD compares: African/African-American, 0.083%; 1 homozygote.

Submissions (2):

PreventionGenetics, part of Exact Sciences
Classification: Likely benign for YY1AP1-related condition. Last evaluated: 2025-09-22. Review status: criteria provided, single submitter. Criteria: ACMG Guidelines, 2015. Collection method: clinical testing. Allele origin: germline.
Comment: This variant is classified as likely benign based on ACMG/AMP sequence variant interpretation guidelines (Richards et al. 2015 PMID: 25741868, with internal and published modifications).

Labcorp Genetics (formerly Invitae), Labcorp
Classification: Likely benign. Last evaluated: 2018-03-29. Review status: criteria provided, single submitter. Criteria: Invitae Variant Classification Sherloc (09022015). Collection method: clinical testing. Allele origin: germline.

NM_139119.3(YY1AP1):c.-151-126C>T

Genes: DAP3 (death associated protein 3; plus strand), YY1AP1 (YY1 associated protein 1; minus strand). Cytogenetic location: 1q22.
Variant type: single nucleotide variant.
Coding change: c.-151-126C>T on transcript NM_139119.3 (MANE Select); 126 bases into the intron before 151 bases upstream of the start codon, C replaced by T.
Molecular consequence: intron variant. On other transcripts: synonymous variant (2).
Genome position (GRCh38, 1-based): chr1:155,688,327, G>A on the plus strand (C>T on the coding strand, the complement: YY1AP1 is on the minus strand). VCF-style: chr1-155688327-G-A. GRCh37 (hg19) VCF-style: chr1-155658118-G-A.
Other names: c.138C>T, p.Cys46= (NM_001198903.1, NM_001198904.1); c.-21+603C>T (NM_001198901.2); c.-375+603C>T (NM_139121.3); c.48-126C>T (NM_139118.3, NM_001198906.2); c.-21+332C>T (NM_001198902.2); c.-143-126C>T (NM_001198900.2); c.-151-126C>T (NM_001198905.2); c.-265-126C>T (NM_018253.4).
Identifiers: ClinVar variation 740041 (VCV000740041.4), dbSNP rs111718014, ClinGen allele CA1149056.